The following is an entry in ClinVar:

ClinVar aggregate classification (germline): Uncertain significance (1 of 4 stars; one submission).

Conditions:
Severe combined immunodeficiency due to CORO1A deficiency. Also called: Immunodeficiency 8; IMMUNODEFICIENCY 8 WITH LYMPHOPROLIFERATION. Identifiers: Orphanet 228003, MedGen C3809383, MONDO:0014168, OMIM 615401.

Allele frequency attached by ClinVar (database versions not stated): gnomAD exomes below 0.00001; TOPMed 0.00001.
gnomAD v4.1: 2 of 1,611,036 alleles (0.00012%); highest among the groups gnomAD compares: African/African-American, 0.0013%; no homozygotes.

Submission:

Labcorp Genetics (formerly Invitae), Labcorp
Classification: Uncertain significance for Severe combined immunodeficiency due to CORO1A deficiency. Last evaluated: 2023-10-03. Review status: criteria provided, single submitter. Criteria: Invitae Variant Classification Sherloc (09022015). Collection method: clinical testing. Allele origin: germline.
Comment: This sequence change replaces leucine, which is neutral and non-polar, with proline, which is neutral and non-polar, at codon 255 of the CORO1A protein (p.Leu255Pro). The frequency data for this variant in the population databases is considered unreliable, as metrics indicate poor data quality at this position in the gnomAD database. This variant has not been reported in the literature in individuals affected with CORO1A-related conditions. ClinVar contains an entry for this variant (Variation ID: 647994). Advanced modeling of protein sequence and biophysical properties (such as structural, functional, and spatial information, amino acid conservation, physicochemical variation, residue mobility, and thermodynamic stability) performed at Invitae indicates that this missense variant is not expected to disrupt CORO1A protein function. In summary, the available evidence is currently insufficient to determine the role of this variant in disease. Therefore, it has been classified as a Variant of Uncertain Significance.

NM_007074.4(CORO1A):c.764T>C (p.Leu255Pro)

Gene: CORO1A (coronin 1A; plus strand). Cytogenetic location: 16p11.2.
Variant type: single nucleotide variant.
Coding change: c.764T>C on transcript NM_007074.4 (MANE Select); coding-DNA position 764, T replaced by C.
Protein change: p.Leu255Pro; replaces leucine 255 with proline.
Molecular consequence: missense variant.
Genome position (GRCh38, 1-based): chr16:30,187,732, T>C. VCF-style: chr16-30187732-T-C. GRCh37 (hg19) VCF-style: chr16-30199053-T-C.
Other names: c.764T>C, p.Leu255Pro (NM_001193333.3); short protein forms L255P.
Identifiers: ClinVar variation 647994 (VCV000647994.9), dbSNP rs1416150566, ClinGen allele CA395495906.